The following is an entry in ClinVar:

ClinVar aggregate classification (germline): Uncertain significance. Review status: criteria provided, multiple submitters, no conflicts (2 of 4 stars). 3 submissions from 3 submitters: Uncertain significance (3). Last evaluated 2025-05-14.

Conditions:
Multiple endocrine neoplasia, type 1 (MEN1). Also called: MEN I; WERMER SYNDROME; Endocrine adenomatosis multiple; MEN 1; MEA I. Identifiers: Orphanet 652, MedGen C0025267, MeSH D018761, MONDO:0007540, OMIM 131100.
Hereditary cancer-predisposing syndrome. Also called: Neoplastic Syndromes, Hereditary; Hereditary neoplastic syndrome; Hereditary Cancer Syndrome; Tumor predisposition. Identifiers: Orphanet 140162, MedGen C0027672, MeSH D009386, MONDO:0015356.

Allele frequency attached by ClinVar (database versions not stated): TOPMed below 0.00001.

Submissions (3):

Labcorp Genetics (formerly Invitae), Labcorp
Classification: Uncertain significance for Multiple endocrine neoplasia, type 1. Last evaluated: 2025-05-14. Review status: criteria provided, single submitter. Criteria: Invitae Variant Classification Sherloc (09022015). Collection method: clinical testing. Allele origin: germline.
Comment: This sequence change replaces glutamic acid, which is acidic and polar, with glycine, which is neutral and non-polar, at codon 30 of the MEN1 protein (p.Glu30Gly). This variant is not present in population databases (gnomAD no frequency). This variant has not been reported in the literature in individuals affected with MEN1-related conditions. ClinVar contains an entry for this variant (Variation ID: 998527). Invitae Evidence Modeling of protein sequence and biophysical properties (such as structural, functional, and spatial information, amino acid conservation, physicochemical variation, residue mobility, and thermodynamic stability) indicates that this missense variant is not expected to disrupt MEN1 protein function with a negative predictive value of 95%. In summary, the available evidence is currently insufficient to determine the role of this variant in disease. Therefore, it has been classified as a Variant of Uncertain Significance.

All of Us Research Program, National Institutes of Health
Classification: Uncertain significance for Multiple endocrine neoplasia, type 1. Last evaluated: 2024-05-30. Review status: criteria provided, single submitter. Criteria: ACMG Guidelines, 2015. Collection method: clinical testing. Allele origin: germline. Inheritance: Autosomal dominant inheritance. Observed: 1 variant allele, 1 heterozygote.
Comment: This missense variant replaces glutamic acid with glycine at codon 30 of the MEN1 protein. Computational prediction is inconclusive regarding the impact of this variant on protein structure and function (internally defined REVEL score threshold 0.5 < inconclusive < 0.7, PMID: 27666373). To our knowledge, functional studies have not been reported for this variant. This variant has not been reported in individuals affected with MEN1-related disorders in the literature. This variant has not been identified in the general population by the Genome Aggregation Database (gnomAD). The available evidence is insufficient to determine the role of this variant in disease conclusively. Therefore, this variant is classified as a Variant of Uncertain Significance.

This study involves interpretation of variants in research participants for the purpose of population health screening. Participant phenotype was not available at the time of variant classification. Additional details can be found in publication PMID: 35346344, PMCID: PMC8962531

Ambry Genetics
Classification: Uncertain significance for Hereditary cancer-predisposing syndrome. Last evaluated: 2024-05-16. Review status: criteria provided, single submitter. Criteria: Ambry Variant Classification Scheme 2023. Collection method: clinical testing. Allele origin: germline.

NM_001370259.2(MEN1):c.89A>G (p.Glu30Gly)

Gene: MEN1 (menin 1; minus strand). Cytogenetic location: 11q13.1.
Variant type: single nucleotide variant.
Coding change: c.89A>G on transcript NM_001370259.2 (MANE Select); coding-DNA position 89, A replaced by G.
Protein change: p.Glu30Gly; replaces glutamic acid 30 with glycine.
Molecular consequence: missense variant.
Genome position (GRCh38, 1-based): chr11:64,810,021, T>C on the plus strand (A>G on the coding strand, the complement: MEN1 is on the minus strand). VCF-style: chr11-64810021-T-C. GRCh37 (hg19) VCF-style: chr11-64577493-T-C.
Other names: c.89A>G, p.Glu30Gly (NM_000244.4, NM_001370251.2, NM_001370260.2 and 9 more transcripts); short protein forms E30G.
Identifiers: ClinVar variation 998527 (VCV000998527.11), dbSNP rs1942017685, ClinGen allele CA381188013.
Genomic context (GRCh38, chr11:64,810,021, plus strand): 5'-ACAGCCAGAAAATGCTCCACGAAGCCCAGCACCAAGGAAAGGAGCACCAGGTCCGGCTCC[T>C]CTCGGCCCAGCTCGGCAGCAAACAGGCGCACCACGTCGTCGATGGAGCGCAGCGGGAACA-3'
Protein context (NP_001357188.2, residues 20-40): VRLFAAELGR[Glu30Gly]EPDLVLLSLV